The following continues an entry in ClinVar:

NM_007294.4(BRCA1):c.1106_1108del (p.Asp369del)

Gene: BRCA1. ClinVar aggregate classification (germline): Benign. Benign (1).

Submissions 15 to 16 of 16:

Department of Pathology and Laboratory Medicine, Sinai Health System
Classification: Likely benign for Breast-ovarian cancer, familial, susceptibility to, 1. Review status: no assertion criteria provided. Collection method: clinical testing. Allele origin: unknown. Affected: yes. Observed: 1 variant allele. Study: The Canadian Open Genetics Repository (COGR). Not counted in ClinVar's aggregate classification.
Comment: The BRCA1 p.Asp369del variant is an in-frame deletion resulting in the removal of an aspartic acid (Asp) residue at codon 369. The variant was identified in at least 11 of 116044 proband chromosomes (frequency: 0.0001) from individuals or families with breast cancer, and was not identified in 360 control chromosomes from healthy individuals (Borg 2010, Chenevix-Trench 2006 16489001, Couch 1996, Judkins 2005); however, an insufficient number of controls were included in these studies to determine the frequency of this variant in the general population. The variant is listed in dbSNP (ID: rs80358326) â€šÃ„ÃºWith untested alleleâ€šÃ„Ã¹; however, no frequency information was available for the variant. The variant was also identified in HGMD, LOVD, and the BIC database (2X with unknown clinical importance), and the ClinVar database (with one â€šÃ„Ãºuncertain significanceâ€šÃ„Ã¹ classification from BIC, and an unclassified submission from Invitae). Judkins (2005) identified this variant in trans with a known deleterious BRCA1 mutation (5385insC), increasing the likelihood that the p.Asp369del variant does not have clinical significance. A study by Chenevix-Trench (2006) demonstrated loss of the variant allele in tumours, suggesting that this variant is neutral. In addition, three multifactorial probability based models predict this to be a neutral variant (Chenevix-Trench 2006, Easton 2007, Lindor 2012). In summary, based on the above information, the clinical significance of this variant cannot be determined with certainty at this time although we would lean towards a more benign role for this variant. This variant is classified as predicted benign.

Department of Pathology and Laboratory Medicine, Sinai Health System
Classification: Likely benign for ovarian cancer. Review status: no assertion criteria provided. Collection method: clinical testing. Allele origin: unknown. Affected: yes. Observed: 1 variant allele. Not counted in ClinVar's aggregate classification.
Comment: The BRCA1 p.Asp369del variant is an in-frame deletion resulting in the removal of an aspartic acid (Asp) residue at codon 369. The variant was identified in at least 11 of 116044 proband chromosomes (frequency: 0.0001) from individuals or families with breast cancer, and was not identified in 360 control chromosomes from healthy individuals (Borg 2010, Chenevix-Trench 2006 16489001, Couch 1996, Judkins 2005); however, an insufficient number of controls were included in these studies to determine the frequency of this variant in the general population. The variant is listed in dbSNP (ID: rs80358326) ?With untested allele?; however, no frequency information was available for the variant. The variant was also identified in HGMD, LOVD, and the BIC database (2X with unknown clinical importance), and the ClinVar database (with one ?uncertain significance? classification from BIC, and an unclassified submission from Invitae). Judkins (2005) identified this variant in trans with a known deleterious BRCA1 mutation (5385insC), increasing the likelihood that the p.Asp369del variant does not have clinical significance. A study by Chenevix-Trench (2006) demonstrated loss of the variant allele in tumours, suggesting that this variant is neutral. In addition, three multifactorial probability based models predict this to be a neutral variant (Chenevix-Trench 2006, Easton 2007, Lindor 2012). In summary, based on the above information, the clinical significance of this variant cannot be determined with certainty at this time although we would lean towards a more benign role for this variant. This variant is classified as likely benign.

Literature cited by the submitters: PubMed 31131967 (cited by Evidence-based Network for the Interpretation of Germline Mutant Alleles (ENIGMA) and Quest Diagnostics Nichols Institute San Juan Capistrano); PubMed 16489001 (cited by 3 submitters); PubMed 17924331 (cited by 3 submitters); PubMed 16267036 (cited by 3 submitters); PubMed 22753008 (cited by Quest Diagnostics Nichols Institute San Juan Capistrano and Counsyl); PubMed 20104584 (cited by Quest Diagnostics Nichols Institute San Juan Capistrano and Counsyl); PubMed 11044354 (cited by Quest Diagnostics Nichols Institute San Juan Capistrano and Women's Health and Genetics/Laboratory Corporation of America, LabCorp); PubMed 21990134 (cited by 3 submitters); PubMed 27153395 (cited by Quest Diagnostics Nichols Institute San Juan Capistrano and Women's Health and Genetics/Laboratory Corporation of America, LabCorp); PubMed 8807330 (cited by Quest Diagnostics Nichols Institute San Juan Capistrano and Counsyl); PubMed 22711857 (cited by Quest Diagnostics Nichols Institute San Juan Capistrano and Women's Health and Genetics/Laboratory Corporation of America, LabCorp); PubMed 18284688 (cited by Quest Diagnostics Nichols Institute San Juan Capistrano and Women's Health and Genetics/Laboratory Corporation of America, LabCorp); PubMed 19941162 (cited by Women's Health and Genetics/Laboratory Corporation of America, LabCorp).